The following is an entry in ClinVar:

ClinVar aggregate classification (germline): Conflicting classifications of pathogenicity. Review status: criteria provided, conflicting classifications (1 of 4 stars). 6 submissions from 5 submitters: Uncertain significance (1); Benign (3); Likely benign (1). 1 of the submissions does not count toward it. Last evaluated 2025-09-20.

Conditions:
Distal arthrogryposis type 2B1 (DA2B1). Also called: Arthrogryposis multiplex congenita distal type II with craniofacial abnormalities. Identifiers: Orphanet 1147, MedGen C5193014, MONDO:0020820, OMIM 601680.
Inborn genetic diseases. Identifiers: MedGen C0950123, MeSH D030342.
Freeman-Sheldon syndrome (DA2A). Also called: WHISTLING FACE-WINDMILL VANE HAND SYNDROME; Arthrogryposis, distal, type 2A (Freeman-Sheldon); CRANIOCARPOTARSAL DYSPLASIA; CRANIOCARPOTARSAL DYSTROPHY. Identifiers: Orphanet 2053, MedGen C0265224, MONDO:0008675, OMIM 193700.
MYH3-related disorder. Also called: MYH3-related condition; MYH3-Related Disorders. Identifiers: MedGen CN239329.

Allele frequency attached by ClinVar (database versions not stated): gnomAD 0.00010; TOPMed 0.00033; ExAC 0.00035; gnomAD exomes 0.00038; 1000 Genomes Project 30x 0.00047; 1000 Genomes Project 0.00060.
gnomAD v4.1: 307 of 1,614,114 alleles (0.019%); highest among the groups gnomAD compares: East Asian, 0.67%; 2 homozygotes.

Submissions (6):

Labcorp Genetics (formerly Invitae), Labcorp
Classification: Benign. Last evaluated: 2025-09-20. Review status: criteria provided, single submitter. Criteria: Invitae Variant Classification Sherloc (09022015). Collection method: clinical testing. Allele origin: germline.

Ambry Genetics
Classification: Uncertain significance for Inborn genetic diseases. Last evaluated: 2024-02-06. Review status: criteria provided, single submitter. Criteria: Ambry Variant Classification Scheme 2023. Collection method: clinical testing. Allele origin: germline.

GeneDx
Classification: Benign. Last evaluated: 2021-09-15. Review status: criteria provided, single submitter. Criteria: GeneDx Variant Classification Process June 2021. Collection method: clinical testing. Allele origin: germline. Affected: yes.

Illumina Laboratory Services, Illumina
Classification: Likely benign for Distal arthrogryposis type 2B1. Last evaluated: 2018-01-12. Review status: criteria provided, single submitter. Criteria: ICSL Variant Classification Criteria 13 December 2019. Collection method: clinical testing. Allele origin: germline.
Comment: This variant was observed in the ICSL laboratory as part of a predisposition screen in an ostensibly healthy population. It had not been previously curated by ICSL or reported in the Human Gene Mutation Database (HGMD: prior to June 1st, 2018), and was therefore a candidate for classification through an automated scoring system. Utilizing variant allele frequency, disease prevalence and penetrance estimates, and inheritance mode, an automated score was calculated to assess if this variant is too frequent to cause the disease. Based on the score and internal cut-off values, a variant classified as likely benign is not then subjected to further curation. The score for this variant resulted in a classification of likely benign for this disease.

Illumina Laboratory Services, Illumina
Classification: Benign for Freeman-Sheldon syndrome. Last evaluated: 2018-01-12. Review status: criteria provided, single submitter. Criteria: ICSL Variant Classification Criteria 13 December 2019. Collection method: clinical testing. Allele origin: germline.
Comment: This variant was observed in the ICSL laboratory as part of a predisposition screen in an ostensibly healthy population. It had not been previously curated by ICSL or reported in the Human Gene Mutation Database (HGMD: prior to June 1st, 2018), and was therefore a candidate for classification through an automated scoring system. Utilizing variant allele frequency, disease prevalence and penetrance estimates, and inheritance mode, an automated score was calculated to assess if this variant is too frequent to cause the disease. Based on the score and internal cut-off values, a variant classified as benign is not then subjected to further curation. The score for this variant resulted in a classification of benign for this disease.

PreventionGenetics, part of Exact Sciences
Classification: Likely benign for MYH3-related condition. Last evaluated: 2020-12-15. Review status: no assertion criteria provided. Collection method: clinical testing. Allele origin: germline. Not counted in ClinVar's aggregate classification.
Comment: This variant is classified as likely benign based on ACMG/AMP sequence variant interpretation guidelines (Richards et al. 2015 PMID: 25741868, with internal and published modifications).

NM_002470.4(MYH3):c.5074A>G (p.Thr1692Ala)

Gene: MYH3 (myosin heavy chain 3; minus strand). Cytogenetic location: 17p13.1.
Variant type: single nucleotide variant.
Coding change: c.5074A>G on transcript NM_002470.4 (MANE Select); coding-DNA position 5074, A replaced by G.
Protein change: p.Thr1692Ala; replaces threonine 1692 with alanine.
Molecular consequence: missense variant.
Genome position (GRCh38, 1-based): chr17:10,631,899, T>C on the plus strand (A>G on the coding strand, the complement: MYH3 is on the minus strand). VCF-style: chr17-10631899-T-C. GRCh37 (hg19) VCF-style: chr17-10535216-T-C.
Other names: short protein forms T1692A.
Identifiers: ClinVar variation 771968 (VCV000771968.16), dbSNP rs140180067, ClinGen allele CA8392051.